The following is an entry in ClinVar:

NM_015215.4(CAMTA1):c.1529C>T (p.Ser510Phe)

Gene: CAMTA1 (calmodulin binding transcription activator 1; plus strand). Cytogenetic location: 1p36.23.
Variant type: single nucleotide variant.
Coding change: c.1529C>T on transcript NM_015215.4 (MANE Select); coding-DNA position 1529, C replaced by T.
Protein change: p.Ser510Phe; replaces serine 510 with phenylalanine.
Molecular consequence: missense variant.
Genome position (GRCh38, 1-based): chr1:7,664,076, C>T. VCF-style: chr1-7664076-C-T. GRCh37 (hg19) VCF-style: chr1-7724136-C-T.
Other names: c.1439C>T, p.Ser480Phe (NM_001349608.2, NM_001349612.2); c.1529C>T, p.Ser510Phe (NM_001349609.2, NM_001349610.2, NM_001410737.1); c.1457C>T, p.Ser486Phe (NM_001410738.1); c.1529C>T (NM_015215.2); short protein forms S510F, S486F, S480F.
Identifiers: ClinVar variation 2808557 (VCV002808557.4), dbSNP rs2523721304, ClinGen allele CA338127894.

ClinVar aggregate classification (germline): Uncertain significance. Review status: criteria provided, multiple submitters, no conflicts (2 of 4 stars). 2 submissions from 2 submitters: Uncertain significance (2). Last evaluated 2025-08-05.

Conditions:
Inborn genetic diseases. Identifiers: MedGen C0950123, MeSH D030342.

Submissions (2):

Ambry Genetics
Classification: Uncertain significance for Inborn genetic diseases. Last evaluated: 2025-08-05. Review status: criteria provided, single submitter. Criteria: Ambry Variant Classification Scheme 2023. Collection method: clinical testing. Allele origin: germline.

Labcorp Genetics (formerly Invitae), Labcorp
Classification: Uncertain significance. Last evaluated: 2023-06-24. Review status: criteria provided, single submitter. Criteria: Invitae Variant Classification Sherloc (09022015). Collection method: clinical testing. Allele origin: germline.
Comment: This variant has not been reported in the literature in individuals affected with CAMTA1-related conditions. This sequence change replaces serine, which is neutral and polar, with phenylalanine, which is neutral and non-polar, at codon 510 of the CAMTA1 protein (p.Ser510Phe). This variant is not present in population databases (gnomAD no frequency). In summary, the available evidence is currently insufficient to determine the role of this variant in disease. Therefore, it has been classified as a Variant of Uncertain Significance. An algorithm developed to predict the effect of missense changes on protein structure and function (PolyPhen-2) suggests that this variant is likely to be tolerated.